The following is an entry in ClinVar:

NM_000368.5(TSC1):c.72C>T (p.Asp24=)

Gene: TSC1 (TSC complex subunit 1; minus strand). Cytogenetic location: 9q34.13.
Variant type: single nucleotide variant.
Coding change: c.72C>T on transcript NM_000368.5 (MANE Select); coding-DNA position 72, C replaced by T.
Protein change: p.Asp24=; no amino-acid change (aspartic acid 24 retained).
Molecular consequence: synonymous variant. On other transcripts: 5 prime UTR variant (1).
Genome position (GRCh38, 1-based): chr9:132,928,801, G>A on the plus strand (C>T on the coding strand, the complement: TSC1 is on the minus strand). VCF-style: chr9-132928801-G-A. GRCh37 (hg19) VCF-style: chr9-135804188-G-A.
Other names: c.72C>T, p.Asp24= (NM_001162426.2, NM_001162427.2); c.-188C>T (NM_001362177.2).
Identifiers: ClinVar variation 387055 (VCV000387055.22), dbSNP rs376527838, ClinGen allele CA16606320.

ClinVar aggregate classification (germline): Benign/Likely benign. Review status: criteria provided, multiple submitters, no conflicts (2 of 4 stars). 7 submissions from 7 submitters: Benign (2); Likely benign (5). Last evaluated 2025-12-29.

Conditions:
Hereditary cancer-predisposing syndrome. Also called: Neoplastic Syndromes, Hereditary; Hereditary neoplastic syndrome; Tumor predisposition; Hereditary Cancer Syndrome. Identifiers: Orphanet 140162, MedGen C0027672, MeSH D009386, MONDO:0015356.
Tuberous sclerosis syndrome (TSC). Also called: Tuberous sclerosis; Tuberous Sclerosis Complex. Identifiers: Orphanet 805, MedGen C0041341, MONDO:0001734.
Tuberous sclerosis 1 (TSC1). Identifiers: Orphanet 805, MedGen C1854465, MONDO:0008612, OMIM 191100.

Allele frequency attached by ClinVar (database versions not stated): gnomAD 0.00001; gnomAD exomes 0.00001; TOPMed 0.00002; ESP Exome Variant Server 0.00008.
gnomAD v4.1: 12 of 1,614,008 alleles (0.00074%); highest among the groups gnomAD compares: Admixed American, 0.0067%; no homozygotes.

Submissions (7):

Labcorp Genetics (formerly Invitae), Labcorp
Classification: Likely benign for Tuberous sclerosis 1. Last evaluated: 2025-12-29. Review status: criteria provided, single submitter. Criteria: Invitae Variant Classification Sherloc (09022015). Collection method: clinical testing. Allele origin: germline.

Myriad Genetics, Inc.
Classification: Benign for Tuberous sclerosis 1. Last evaluated: 2025-04-07. Review status: criteria provided, single submitter. Criteria: Myriad Autosomal Dominant, Autosomal Recessive and X-Linked Classification Criteria (2023). Collection method: clinical testing. Allele origin: unknown.
Comment: This variant is considered benign. This variant is a silent/synonymous amino acid change and it is not expected to impact splicing.

All of Us Research Program, National Institutes of Health
Classification: Likely benign for Tuberous sclerosis syndrome. Last evaluated: 2024-02-22. Review status: criteria provided, single submitter. Criteria: ACMG Guidelines, 2015. Collection method: clinical testing. Allele origin: germline. Inheritance: Autosomal dominant inheritance. Observed: 1 variant allele, 1 heterozygote.
Comment: This study involves interpretation of variants in research participants for the purpose of population health screening. Participant phenotype was not available at the time of variant classification. Additional details can be found in publication PMID: 35346344, PMCID: PMC8962531

Sema4
Classification: Likely benign for Hereditary cancer-predisposing syndrome. Last evaluated: 2021-12-17. Review status: criteria provided, single submitter. Criteria: Sema4 Curation Guidelines. Collection method: curation. Allele origin: germline.

Genome-Nilou Lab
Classification: Benign for Tuberous sclerosis 1. Last evaluated: 2021-11-07. Review status: criteria provided, single submitter. Criteria: ACMG Guidelines, 2015. Collection method: clinical testing. Allele origin: germline. Affected: no.

GeneDx
Classification: Likely benign. Last evaluated: 2019-02-20. Review status: criteria provided, single submitter. Criteria: GeneDx Variant Classification Process June 2021. Collection method: clinical testing. Allele origin: germline. Affected: yes.

Ambry Genetics
Classification: Likely benign for Hereditary cancer-predisposing syndrome. Last evaluated: 2017-07-19. Review status: criteria provided, single submitter. Criteria: Ambry Variant Classification Scheme 2023. Collection method: clinical testing. Allele origin: germline.